The following is an entry in ClinVar:

NM_206933.4(USH2A):c.3158-1G>A

Genes: USH2A (usherin; minus strand), USH2A-AS1 (USH2A antisense RNA 1; plus strand). Cytogenetic location: 1q41.
Variant type: single nucleotide variant.
Coding change: c.3158-1G>A on transcript NM_206933.4 (MANE Select); the canonical splice acceptor site of the intron before coding-DNA position 3158, G replaced by A.
Molecular consequence: splice acceptor variant.
Genome position (GRCh38, 1-based): chr1:216,207,432, C>T on the plus strand (G>A on the coding strand, the complement: USH2A is on the minus strand). VCF-style: chr1-216207432-C-T. GRCh37 (hg19) VCF-style: chr1-216380774-C-T.
Other names: c.3158-1G>A (NM_007123.6).
Identifiers: ClinVar variation 1503692 (VCV001503692.6), dbSNP rs1231186035, ClinGen allele CA344862650.

ClinVar aggregate classification (germline): Likely pathogenic (1 of 4 stars; one submission).

gnomAD v4.1: 1 of 1,613,852 alleles (0.000062%); highest among the groups gnomAD compares: African/African-American, 0.0013%; no homozygotes.

Submission:

Labcorp Genetics (formerly Invitae), Labcorp
Classification: Likely pathogenic. Last evaluated: 2021-07-21. Review status: criteria provided, single submitter. Criteria: Invitae Variant Classification Sherloc (09022015). Collection method: clinical testing. Allele origin: germline.
Comment: In summary, the currently available evidence indicates that the variant is pathogenic, but additional data are needed to prove that conclusively. Therefore, this variant has been classified as Likely Pathogenic. Algorithms developed to predict the effect of sequence changes on RNA splicing suggest that this variant may disrupt the consensus splice site. This variant has not been reported in the literature in individuals affected with USH2A-related conditions. This variant is not present in population databases (ExAC no frequency). This sequence change affects an acceptor splice site in intron 15 of the USH2A gene. It is expected to disrupt RNA splicing. Variants that disrupt the donor or acceptor splice site typically lead to a loss of protein function (PMID: 16199547), and loss-of-function variants in USH2A are known to be pathogenic (PMID: 10729113, 10909849, 20507924, 25649381).

Literature cited by the submitters: PubMed 16199547; PubMed 10729113; PubMed 10909849; PubMed 20507924; PubMed 25649381.